The following is an entry in ClinVar:

NM_003628.6(PKP4):c.2848A>G (p.Met950Val)

Genes: PKP4 (plakophilin 4; plus strand), PKP4-AS1 (PKP4 antisense RNA 1; minus strand). Cytogenetic location: 2q24.1.
Variant type: single nucleotide variant.
Coding change: c.2848A>G on transcript NM_003628.6 (MANE Select); coding-DNA position 2848, A replaced by G.
Protein change: p.Met950Val; replaces methionine 950 with valine.
Molecular consequence: missense variant.
Genome position (GRCh38, 1-based): chr2:158,669,839, A>G. VCF-style: chr2-158669839-A-G. GRCh37 (hg19) VCF-style: chr2-159526351-A-G.
Other names: c.2848A>G, p.Met950Val (NM_001005476.4, NM_001377218.1, NM_001377225.1); c.2845A>G, p.Met949Val (NM_001304969.3, NM_001377219.1, NM_001377220.1 and 2 more transcripts); c.1819A>G, p.Met607Val (NM_001304970.3); c.2842A>G, p.Met948Val (NM_001377222.1, NM_001377223.1); c.2839A>G, p.Met947Val (NM_001377224.1); short protein forms M949V, M607V, M947V, M950V, M948V.
Identifiers: ClinVar variation 1796789 (VCV001796789.3), dbSNP rs769031427, ClinGen allele CA348905538.

ClinVar aggregate classification (germline): Uncertain significance (1 of 4 stars; one submission).

Allele frequency attached by ClinVar (database versions not stated): TOPMed 0.00004.
gnomAD v4.1: 7 of 1,614,002 alleles (0.00043%); highest among the groups gnomAD compares: African/African-American, 0.008%; no homozygotes.

Submission:

Ambry Genetics
Classification: Uncertain significance. Last evaluated: 2025-01-27. Review status: criteria provided, single submitter. Criteria: Ambry Variant Classification Scheme 2023. Collection method: clinical testing. Allele origin: germline.
Comment: The p.M950V variant (also known as c.2848A>G), located in coding exon 16 of the PKP4 gene, results from an A to G substitution at nucleotide position 2848. The methionine at codon 950 is replaced by valine, an amino acid with highly similar properties. This amino acid position is conserved. In addition, the in silico prediction for this alteration is inconclusive. Since supporting evidence is limited at this time, the clinical significance of this alteration remains unclear.